The following is an entry in ClinVar:

NM_001171155.2(PET100):c.82G>C (p.Glu28Gln)

Genes: PET100 (PET100 cytochrome c oxidase chaperone; plus strand), STXBP2 (syntaxin binding protein 2; plus strand). Cytogenetic location: 19p13.2.
Variant type: single nucleotide variant.
Coding change: c.82G>C on transcript NM_001171155.2 (MANE Select); coding-DNA position 82, G replaced by C.
Protein change: p.Glu28Gln; replaces glutamic acid 28 with glutamine.
Molecular consequence: missense variant. On other transcripts: non-coding transcript variant (1), 5 prime UTR variant (1).
Genome position (GRCh38, 1-based): chr19:7,630,627, G>C. VCF-style: chr19-7630627-G-C. GRCh37 (hg19) VCF-style: chr19-7695513-G-C.
Other names: c.-116G>C (NM_001414484.1); short protein forms E28Q.
Identifiers: ClinVar variation 2094060 (VCV002094060.1), dbSNP rs4134804, ClinGen allele CA403153671.

ClinVar aggregate classification (germline): Uncertain significance (1 of 4 stars; one submission).

gnomAD v4.1: 1 of 1,537,184 alleles (0.000065%); highest among the groups gnomAD compares: Non-Finnish European, 0.000087%; no homozygotes.

Submission:

Labcorp Genetics (formerly Invitae), Labcorp
Classification: Uncertain significance. Last evaluated: 2022-09-01. Review status: criteria provided, single submitter. Criteria: Invitae Variant Classification Sherloc (09022015). Collection method: clinical testing. Allele origin: germline.
Comment: This sequence change replaces glutamic acid, which is acidic and polar, with glutamine, which is neutral and polar, at codon 28 of the PET100 protein (p.Glu28Gln). This variant is not present in population databases (gnomAD no frequency). This variant has not been reported in the literature in individuals affected with PET100-related conditions. Algorithms developed to predict the effect of missense changes on protein structure and function (SIFT, PolyPhen-2, Align-GVGD) all suggest that this variant is likely to be disruptive. In summary, the available evidence is currently insufficient to determine the role of this variant in disease. Therefore, it has been classified as a Variant of Uncertain Significance.